The following is an entry in ClinVar:

NM_024652.6(LRRK1):c.6016C>G (p.Arg2006Gly)

Genes: LRRK1 (leucine rich repeat kinase 1; plus strand), LRRK1-AS1 (LRRK1 antisense RNA 1; minus strand). Cytogenetic location: 15q26.3.
Variant type: single nucleotide variant.
Coding change: c.6016C>G on transcript NM_024652.6 (MANE Select); coding-DNA position 6016, C replaced by G.
Protein change: p.Arg2006Gly; replaces arginine 2006 with glycine.
Molecular consequence: missense variant.
Genome position (GRCh38, 1-based): chr15:101,068,816, C>G. VCF-style: chr15-101068816-C-G. GRCh37 (hg19) VCF-style: chr15-101609021-C-G.
Other names: short protein forms R2006G.
Identifiers: ClinVar variation 2875156 (VCV002875156.1), dbSNP rs373483365, ClinGen allele CA393964756.

ClinVar aggregate classification (germline): Uncertain significance (1 of 4 stars; one submission).

gnomAD v4.1: 1 of 1,609,378 alleles (0.000062%); highest among the groups gnomAD compares: Non-Finnish European, 0.000085%; no homozygotes.

Submission:

Labcorp Genetics (formerly Invitae), Labcorp
Classification: Uncertain significance. Last evaluated: 2023-01-20. Review status: criteria provided, single submitter. Criteria: Invitae Variant Classification Sherloc (09022015). Collection method: clinical testing. Allele origin: germline.
Comment: In summary, the available evidence is currently insufficient to determine the role of this variant in disease. Therefore, it has been classified as a Variant of Uncertain Significance. Algorithms developed to predict the effect of missense changes on protein structure and function are either unavailable or do not agree on the potential impact of this missense change (SIFT: "Deleterious"; PolyPhen-2: "Probably Damaging"; Align-GVGD: "Class C0"). This variant has not been reported in the literature in individuals affected with LRRK1-related conditions. This variant is not present in population databases (gnomAD no frequency). This sequence change replaces arginine, which is basic and polar, with glycine, which is neutral and non-polar, at codon 2006 of the LRRK1 protein (p.Arg2006Gly).